The following is an entry in ClinVar:

ClinVar aggregate classification (germline): Likely pathogenic (1 of 4 stars; one submission).

gnomAD v4.1: 4 of 1,599,738 alleles (0.00025%); highest among the groups gnomAD compares: Admixed American, 0.0036%; no homozygotes.

Submissions (2):

CeGaT Center for Human Genetics Tuebingen
Classification: Likely pathogenic. Last evaluated: 2024-09-01. Review status: criteria provided, single submitter. Criteria: CeGaT Center For Human Genetics Tuebingen Variant Classification Criteria Version 2. Collection method: clinical testing. Allele origin: germline. Affected: yes. Observed: 1 variant allele.
Comment: ANKLE2: PVS1:Strong, PM2

Dr. Peter K. Rogan Lab, Western University
No classification provided (evidence only). Condition: Papillary renal cell carcinoma type 1. Review status: no classification provided. Collection method: in vitro. Allele origin: not applicable. Functional consequence: retained intron. Not counted in ClinVar's aggregate classification.

NM_015114.3(ANKLE2):c.1701-2A>G

Gene: ANKLE2 (ankyrin repeat and LEM domain containing 2; minus strand). Cytogenetic location: 12q24.33.
Variant type: single nucleotide variant.
Coding change: c.1701-2A>G on transcript NM_015114.3 (MANE Select); the canonical splice acceptor site of the intron before coding-DNA position 1701, A replaced by G.
Molecular consequence: splice acceptor variant.
Genome position (GRCh38, 1-based): chr12:132,734,577, T>C on the plus strand (A>G on the coding strand, the complement: ANKLE2 is on the minus strand). VCF-style: chr12-132734577-T-C. GRCh37 (hg19) VCF-style: chr12-133311163-T-C.
Other names: NC_000012.11:g.133311163T>C.
Identifiers: ClinVar variation 3389621 (VCV003389621.15).